The following is an entry in ClinVar:

NM_002878.4(RAD51D):c.52dup (p.Gln18fs)

Genes: RAD51D (RAD51 paralog D; minus strand), RAD51L3-RFFL (RAD51L3-RFFL readthrough; minus strand). Cytogenetic location: 17q12.
Variant type: Duplication.
Coding change: c.52dup on transcript NM_002878.4 (MANE Select); coding-DNA position 52, one base duplicated (C; older notation c.52dupC).
Protein change: p.Gln18fs; shifts the reading frame from glutamine 18.
Molecular consequence: frameshift variant. On other transcripts: non-coding transcript variant (2).
Genome position (GRCh38, 1-based): chr17:35,119,562, G duplicated on the plus strand (C on the coding strand, the reverse complement: RAD51D is on the minus strand); the first of 2 consecutive G bases (chr17:35,119,562-35,119,563); duplicating either gives the same sequence. VCF-style (leftmost placement, unchanged base first): chr17-35119561-T-TG. GRCh37 (hg19) VCF-style: chr17-33446580-T-TG.
Other names: c.52dup, p.Gln18fs (NM_001142571.2, NM_133629.3); short protein forms Q18fs.
Identifiers: ClinVar variation 3148606 (VCV003148606.1), dbSNP rs2142480422, ClinGen allele CA2825002497.

ClinVar aggregate classification (germline): Pathogenic (1 of 4 stars; one submission).

Conditions:
Breast-ovarian cancer, familial, susceptibility to, 4. Identifiers: Orphanet 145, MedGen C3280345, MONDO:0013669, OMIM 614291.

Submission:

Myriad Genetics, Inc.
Classification: Pathogenic for Breast-ovarian cancer, familial, susceptibility to, 4. Last evaluated: 2024-01-03. Review status: criteria provided, single submitter. Criteria: Myriad Autosomal Dominant, Autosomal Recessive and X-Linked Classification Criteria (2023). Collection method: clinical testing. Allele origin: unknown.
Comment: This variant is considered pathogenic. This variant creates a frameshift predicted to result in premature protein truncation.